The following is an entry in ClinVar:

ClinVar aggregate classification (germline): Uncertain significance. Review status: criteria provided, multiple submitters, no conflicts (2 of 4 stars). 2 submissions from 2 submitters: Uncertain significance (2). Last evaluated 2024-06-10.

Conditions:
Hypertrophic cardiomyopathy 26. Also called: Cardiomyopathy, familial hypertrophic, 26. Identifiers: Orphanet 75249, MedGen C4310749, MONDO:0014883, OMIM 617047.
Myofibrillar myopathy 5. Also called: Filaminopathy (type); FILAMINOPATHY, AUTOSOMAL DOMINANT. Identifiers: Orphanet 171445, MedGen C1836050, MONDO:0012289, OMIM 609524.
Distal myopathy with posterior leg and anterior hand involvement. Also called: WILLIAMS DISTAL MYOPATHY. Identifiers: Orphanet 63273, MedGen C3279722, MONDO:0013550, OMIM 614065.

Submissions (2):

Labcorp Genetics (formerly Invitae), Labcorp
Classification: Uncertain significance for Distal myopathy with posterior leg and anterior hand involvement; Myofibrillar myopathy 5; Hypertrophic cardiomyopathy 26. Last evaluated: 2024-06-10. Review status: criteria provided, single submitter. Criteria: Invitae Variant Classification Sherloc (09022015). Collection method: clinical testing. Allele origin: germline.
Comment: This sequence change replaces threonine, which is neutral and polar, with isoleucine, which is neutral and non-polar, at codon 41 of the FLNC protein (p.Thr41Ile). This variant is not present in population databases (gnomAD no frequency). This variant has not been reported in the literature in individuals affected with FLNC-related conditions. ClinVar contains an entry for this variant (Variation ID: 2412934). Advanced modeling of protein sequence and biophysical properties (such as structural, functional, and spatial information, amino acid conservation, physicochemical variation, residue mobility, and thermodynamic stability) has been performed at Invitae for this missense variant, however the output from this modeling did not meet the statistical confidence thresholds required to predict the impact of this variant on FLNC protein function. In summary, the available evidence is currently insufficient to determine the role of this variant in disease. Therefore, it has been classified as a Variant of Uncertain Significance.

GeneDx
Classification: Uncertain significance. Last evaluated: 2022-07-25. Review status: criteria provided, single submitter. Criteria: GeneDx Variant Classification Process June 2021. Collection method: clinical testing. Allele origin: germline. Affected: yes.
Comment: Not observed at significant frequency in large population cohorts (gnomAD); In silico analysis supports that this missense variant has a deleterious effect on protein structure/function; Has not been previously published as pathogenic or benign to our knowledge

NM_001458.5(FLNC):c.122C>T (p.Thr41Ile)

Gene: FLNC (filamin C; plus strand). Cytogenetic location: 7q32.1.
Variant type: single nucleotide variant.
Coding change: c.122C>T on transcript NM_001458.5 (MANE Select); coding-DNA position 122, C replaced by T.
Protein change: p.Thr41Ile; replaces threonine 41 with isoleucine.
Molecular consequence: missense variant.
Genome position (GRCh38, 1-based): chr7:128,830,759, C>T. VCF-style: chr7-128830759-C-T. GRCh37 (hg19) VCF-style: chr7-128470813-C-T.
Other names: c.122C>T, p.Thr41Ile (NM_001127487.2); short protein forms T41I.
Identifiers: ClinVar variation 2412934 (VCV002412934.5), dbSNP rs2536605111, ClinGen allele CA369215866.